The following is an entry in ClinVar:

ClinVar aggregate classification (germline): Uncertain significance (1 of 4 stars; one submission).

Conditions:
Malignant hyperthermia, susceptibility to, 1 (MHS1). Also called: Anesthesia related hyperthermia; Malignant hyperpyrexia; Fulminating hyperpyrexia; Pharmacogenic myopathy; RYR1-Related Malignant Hyperthermia Susceptibility; Malignant hyperthermia suceptibility 1. Identifiers: Orphanet 423, MedGen C2930980, MONDO:0007783, OMIM 145600.

Allele frequency attached by ClinVar (database versions not stated): gnomAD exomes below 0.00001; TOPMed below 0.00001; ExAC 0.00001.
gnomAD v4.1: 3 of 1,614,014 alleles (0.00019%); highest among the groups gnomAD compares: Admixed American, 0.0017%; no homozygotes.

Submission:

All of Us Research Program, National Institutes of Health
Classification: Uncertain significance for Malignant hyperthermia, susceptibility to, 1. Last evaluated: 2023-12-18. Review status: criteria provided, single submitter. Criteria: ACMG Guidelines, 2015. Collection method: clinical testing. Allele origin: germline. Inheritance: Autosomal dominant inheritance. Observed: 1 variant allele, 1 heterozygote.
Comment: This missense variant replaces serine with leucine at codon 556 of the RYR1 protein. Computational prediction suggests that this variant may have deleterious impact on protein structure and function (internally defined REVEL score threshold >= 0.7, PMID: 27666373). To our knowledge, functional studies have not been reported for this variant. This variant has not been reported in individuals affected with RYR1-related disorders in the literature. This variant has been identified in 2/251450 chromosomes in the general population by the Genome Aggregation Database (gnomAD). The available evidence is insufficient to determine the role of this variant in disease conclusively. Therefore, this variant is classified as a Variant of Uncertain Significance.

This study involves interpretation of variants in research participants for the purpose of population health screening. Participant phenotype was not available at the time of variant classification. Additional details can be found in publication PMID: 35346344, PMCID: PMC8962531

NM_000540.3(RYR1):c.1667C>T (p.Ser556Leu)

Gene: RYR1 (ryanodine receptor 1; plus strand). Cytogenetic location: 19q13.2.
Variant type: single nucleotide variant.
Coding change: c.1667C>T on transcript NM_000540.3 (MANE Select); coding-DNA position 1667, C replaced by T.
Protein change: p.Ser556Leu; replaces serine 556 with leucine.
Molecular consequence: missense variant.
Genome position (GRCh38, 1-based): chr19:38,455,541, C>T. VCF-style: chr19-38455541-C-T. GRCh37 (hg19) VCF-style: chr19-38946181-C-T.
Other names: c.1667C>T, p.Ser556Leu (NM_001042723.2); short protein forms S556L.
Identifiers: ClinVar variation 3075118 (VCV003075118.1), dbSNP rs763461768, ClinGen allele CA062286.
Genomic context (GRCh38, chr19:38,455,541, plus strand): 5'-GTGCCCTCTTCTCCACAAACTTGGACTGGCTGGTCAGCAAGCTGGATCGGCTGGAGGCCT[C>T]GTCTGGTAGGAGAACCCGGGGGAGTGGGACAGAGGCTTGTGGGAGGGGATGGGCATGGCC-3'
Protein context (NP_000531.2, residues 546-566): LVSKLDRLEA[Ser556Leu]SGILEVLYCV